The following is an entry in ClinVar:

NM_001035.3(RYR2):c.667G>A (p.Ala223Thr)

Gene: RYR2 (ryanodine receptor 2; plus strand). Cytogenetic location: 1q43.
Variant type: single nucleotide variant.
Coding change: c.667G>A on transcript NM_001035.3 (MANE Select); coding-DNA position 667, G replaced by A.
Protein change: p.Ala223Thr; replaces alanine 223 with threonine.
Molecular consequence: missense variant.
Genome position (GRCh38, 1-based): chr1:237,387,371, G>A. VCF-style: chr1-237387371-G-A. GRCh37 (hg19) VCF-style: chr1-237550671-G-A.
Other names: c.667G>A, p.Ala223Thr (LRG_402t1); short protein forms A223T.
Identifiers: ClinVar variation 575927 (VCV000575927.10), dbSNP rs1558732422, ClinGen allele CA345377613.
Genomic context (GRCh38, chr1:237,387,371, plus strand): 5'-GTGGATGCCGCTTTCCAGCAGACTCTCTGGAGCGTGGCCCCAATCAGCTCAGGAAGTGAG[G>A]CAGCCCAAGGTAAAAACTCCACTTCAATTAGAGGGCCTGTCCTTGCTGCAAAGTTGACAG-3'
Protein context (NP_001026.2, residues 213-233): SVAPISSGSE[Ala223Thr]AQGYLIGGDV

ClinVar aggregate classification (germline): Uncertain significance (1 of 4 stars; one submission).

Conditions:
Catecholaminergic polymorphic ventricular tachycardia 1. Also called: VENTRICULAR TACHYCARDIA, CATECHOLAMINERGIC POLYMORPHIC, 1, WITH OR WITHOUT ATRIAL DYSFUNCTION AND/OR DILATED CARDIOMYOPATHY; VENTRICULAR TACHYCARDIA, STRESS-INDUCED POLYMORPHIC 1; RYR2-Related Catecholaminergic Polymorphic Ventricular Tachycardia. Identifiers: Orphanet 3286, MedGen C1631597, MONDO:0011484, OMIM 604772.

Submission:

Labcorp Genetics (formerly Invitae), Labcorp
Classification: Uncertain significance for Catecholaminergic polymorphic ventricular tachycardia 1. Last evaluated: 2018-04-11. Review status: criteria provided, single submitter. Criteria: Invitae Variant Classification Sherloc (09022015). Collection method: clinical testing. Allele origin: germline.
Comment: This sequence change replaces alanine with threonine at codon 223 of the RYR2 protein (p.Ala223Thr). The alanine residue is highly conserved and there is a small physicochemical difference between alanine and threonine. In summary, the available evidence is currently insufficient to determine the role of this variant in disease. Therefore, it has been classified as a Variant of Uncertain Significance. Algorithms developed to predict the effect of missense changes on protein structure and function (SIFT, PolyPhen-2, Align-GVGD) all suggest that this variant is likely to be tolerated, but these predictions have not been confirmed by published functional studies and their clinical significance is uncertain. This variant has not been reported in the literature in individuals with RYR2-related disease. This variant is not present in population databases (ExAC no frequency).